The following is an entry in ClinVar:

NM_000158.4(GBE1):c.429+5T>G

Gene: GBE1 (1,4-alpha-glucan branching enzyme 1; minus strand). Cytogenetic location: 3p12.2.
Variant type: single nucleotide variant.
Coding change: c.429+5T>G on transcript NM_000158.4 (MANE Select); 5 bases into the intron after coding-DNA position 429, T replaced by G.
Molecular consequence: intron variant.
Genome position (GRCh38, 1-based): chr3:81,670,833, A>C on the plus strand (T>G on the coding strand, the complement: GBE1 is on the minus strand). VCF-style: chr3-81670833-A-C. GRCh37 (hg19) VCF-style: chr3-81719984-A-C.
Other names: c.429+5T>G (NM_000158.3).
Identifiers: ClinVar variation 989811 (VCV000989811.4), dbSNP rs373240805, ClinGen allele CA2499979.

ClinVar aggregate classification (germline): Uncertain significance. Review status: criteria provided, single submitter (1 of 4 stars). 3 submissions from 3 submitters: Uncertain significance (1). 2 of the submissions do not count toward it. Last evaluated 2022-04-23.

Conditions:
Glycogen storage disease IV, classic hepatic. Also called: GSD IV, CLASSIC HEPATIC. Identifiers: MedGen C1856301.
Glycogen storage disease, type IV (GSD4). Also called: CIRRHOSIS, FAMILIAL, WITH DEPOSITION OF ABNORMAL GLYCOGEN; GBE1 DEFICIENCY; GLYCOGEN BRANCHING ENZYME DEFICIENCY; GLYCOGENOSIS IV; GSD IV; Glycogen storage disease due to glycogen branching enzyme deficiency. Identifiers: Orphanet 367, MedGen C0017923, MONDO:0009292, OMIM 232500.
GBE1-related disorder. Also called: GBE1-related condition; GBE1-related disorders. Identifiers: MedGen CN239402.

Allele frequency attached by ClinVar (database versions not stated): gnomAD exomes 0.00005 and 0.00001; gnomAD 0.00014 and 0.00012; ExAC 0.00017; ESP Exome Variant Server 0.00025; TOPMed 0.00018.
gnomAD v4.1: 31 of 1,455,628 alleles (0.0021%); highest among the groups gnomAD compares: African/African-American, 0.038%; no homozygotes.

Submissions (3):

Labcorp Genetics (formerly Invitae), Labcorp
Classification: Uncertain significance for Glycogen storage disease, type IV; Glycogen storage disease IV, classic hepatic. Last evaluated: 2022-04-23. Review status: criteria provided, single submitter. Criteria: Invitae Variant Classification Sherloc (09022015). Collection method: clinical testing. Allele origin: germline.
Comment: This sequence change falls in intron 3 of the GBE1 gene. It does not directly change the encoded amino acid sequence of the GBE1 protein. It affects a nucleotide within the consensus splice site. This variant is present in population databases (rs373240805, gnomAD 0.08%). This variant has not been reported in the literature in individuals affected with GBE1-related conditions. ClinVar contains an entry for this variant (Variation ID: 989811). Variants that disrupt the consensus splice site are a relatively common cause of aberrant splicing (PMID: 17576681, 9536098). Algorithms developed to predict the effect of sequence changes on RNA splicing suggest that this variant is not likely to affect RNA splicing. In summary, the available evidence is currently insufficient to determine the role of this variant in disease. Therefore, it has been classified as a Variant of Uncertain Significance.

Natera, Inc.
Classification: Uncertain significance for Glycogen storage disease type IV. Last evaluated: 2020-06-10. Review status: no assertion criteria provided. Collection method: clinical testing. Allele origin: germline. Not counted in ClinVar's aggregate classification.

PreventionGenetics, part of Exact Sciences
Classification: Likely benign for GBE1-related condition. Last evaluated: 2019-08-10. Review status: no assertion criteria provided. Collection method: clinical testing. Allele origin: germline. Not counted in ClinVar's aggregate classification.
Comment: This variant is classified as likely benign based on ACMG/AMP sequence variant interpretation guidelines (Richards et al. 2015 PMID: 25741868, with internal and published modifications).

Literature cited by the submitters: PubMed 17576681 (cited by Labcorp Genetics (formerly Invitae), Labcorp); PubMed 9536098 (cited by Labcorp Genetics (formerly Invitae), Labcorp).